The following is an entry in ClinVar:

ClinVar aggregate classification (germline): Uncertain significance (1 of 4 stars; one submission).

Allele frequency attached by ClinVar (database versions not stated): gnomAD 0.00001; TOPMed 0.00001; ExAC 0.00004.
gnomAD v4.1: 24 of 1,605,884 alleles (0.0015%); highest among the groups gnomAD compares: Non-Finnish European, 0.002%; no homozygotes.

Submission:

Labcorp Genetics (formerly Invitae), Labcorp
Classification: Uncertain significance. Last evaluated: 2022-07-12. Review status: criteria provided, single submitter. Criteria: Invitae Variant Classification Sherloc (09022015). Collection method: clinical testing. Allele origin: germline.
Comment: In summary, the available evidence is currently insufficient to determine the role of this variant in disease. Therefore, it has been classified as a Variant of Uncertain Significance. Algorithms developed to predict the effect of missense changes on protein structure and function are either unavailable or do not agree on the potential impact of this missense change (SIFT: "Deleterious"; PolyPhen-2: "Benign"; Align-GVGD: "Class C0"). This variant has not been reported in the literature in individuals affected with CNOT1-related conditions. This variant is present in population databases (rs751904794, gnomAD 0.006%). This sequence change replaces leucine, which is neutral and non-polar, with phenylalanine, which is neutral and non-polar, at codon 406 of the CNOT1 protein (p.Leu406Phe).

NM_016284.5(CNOT1):c.1216C>T (p.Leu406Phe)

Gene: CNOT1 (CCR4-NOT transcription complex subunit 1; minus strand). Cytogenetic location: 16q21.
Variant type: single nucleotide variant.
Coding change: c.1216C>T on transcript NM_016284.5 (MANE Select); coding-DNA position 1216, C replaced by T.
Protein change: p.Leu406Phe; replaces leucine 406 with phenylalanine.
Molecular consequence: missense variant. On other transcripts: non-coding transcript variant (1).
Genome position (GRCh38, 1-based): chr16:58,580,760, G>A on the plus strand (C>T on the coding strand, the complement: CNOT1 is on the minus strand). VCF-style: chr16-58580760-G-A. GRCh37 (hg19) VCF-style: chr16-58614664-G-A.
Other names: c.1216C>T, p.Leu406Phe (NM_001265612.2, NM_206999.3); short protein forms L406F.
Identifiers: ClinVar variation 2174347 (VCV002174347.4), dbSNP rs751904794, ClinGen allele CA8089961.